The following is an entry in ClinVar:

ClinVar aggregate classification (germline): Pathogenic (1 of 4 stars; one submission).

Conditions:
Neuromuscular disease caused by qualitative or quantitative defects of dysferlin. Also called: Qualitative or quantitative defects of dysferlin; Dysferlinopathy. Identifiers: Orphanet 207073, MedGen C2931687, MONDO:0016145.

gnomAD v4.1: 4 of 1,614,130 alleles (0.00025%); highest among the groups gnomAD compares: Admixed American, 0.005%; no homozygotes.

Submission:

Labcorp Genetics (formerly Invitae), Labcorp
Classification: Pathogenic for Neuromuscular disease caused by qualitative or quantitative defects of dysferlin. Last evaluated: 2022-07-30. Review status: criteria provided, single submitter. Criteria: Invitae Variant Classification Sherloc (09022015). Collection method: clinical testing. Allele origin: germline.
Comment: For these reasons, this variant has been classified as Pathogenic. This variant has not been reported in the literature in individuals affected with DYSF-related conditions. This variant is present in population databases (rs370866476, gnomAD 0.009%). This sequence change creates a premature translational stop signal (p.Gln1758*) in the DYSF gene. It is expected to result in an absent or disrupted protein product. Loss-of-function variants in DYSF are known to be pathogenic (PMID: 17698709, 20301480).

Literature cited by the submitters: PubMed 17698709; PubMed 20301480.

NM_001130987.2(DYSF):c.5389C>T (p.Gln1797Ter)

Gene: DYSF (dysferlin; plus strand). Cytogenetic location: 2p13.2.
Variant type: single nucleotide variant.
Coding change: c.5389C>T on transcript NM_001130987.2 (MANE Select); coding-DNA position 5389, C replaced by T.
Protein change: p.Gln1797Ter; replaces glutamine 1797 with a stop codon.
Molecular consequence: nonsense.
Genome position (GRCh38, 1-based): chr2:71,667,447, C>T. VCF-style: chr2-71667447-C-T. GRCh37 (hg19) VCF-style: chr2-71894577-C-T.
Other names: c.5275C>T, p.Gln1759Ter (NM_001130455.2); c.5230C>T, p.Gln1744Ter (NM_001130976.2); c.5293C>T, p.Gln1765Ter (NM_001130977.2); c.5335C>T, p.Gln1779Ter (NM_001130978.2); c.5365C>T, p.Gln1789Ter (NM_001130979.2); c.5323C>T, p.Gln1775Ter (NM_001130980.2); c.5386C>T, p.Gln1796Ter (NM_001130981.2); c.5368C>T, p.Gln1790Ter (NM_001130982.2); and 5 more; short protein forms Q1776*, Q1796*, Q1797*, Q1745*, Q1758*, Q1775*, Q1790*, Q1744*.
Identifiers: ClinVar variation 2020456 (VCV002020456.4), dbSNP rs370866476, ClinGen allele CA1707349.